The following is an entry in ClinVar:

ClinVar aggregate classification (germline): Uncertain significance (1 of 4 stars; one submission).

Submission:

Broad Center for Mendelian Genomics, Broad Institute of MIT and Harvard
Classification: Uncertain significance. Last evaluated: 2019-02-07. Review status: criteria provided, single submitter. Criteria: ACMG Guidelines, 2015. Collection method: research. Allele origin: de novo. Inheritance: Autosomal dominant inheritance. Affected: yes.
Comment: The p.Ile605Serfs*41 variant in KMT2E has not been previously reported in individuals with developmental delay and was absent from large population studies. This variant is predicted to cause a frameshift, which alters the proteinâ€™s amino acid sequence beginning at position 605 and leads to a premature termination codon 41 amino acids downstream. This alteration is then predicted to lead to a truncated or absent protein. It is of note, that loss of function of the KMT2E gene in autosomal dominant disease has not yet been established based on the criteria laid out in Tayoun, 2018 (PMID: 30192042). In summary, while there is some suspicion for a pathogenic role, the clinical significance of this variant is uncertain.

NM_182931.3(KMT2E):c.1812del (p.Ile605fs)

Gene: KMT2E (lysine methyltransferase 2E (inactive); plus strand). Cytogenetic location: 7q22.3.
Variant type: Deletion.
Coding change: c.1812del on transcript NM_182931.3 (MANE Select); coding-DNA position 1812, one base deleted (G; older notation c.1812delG).
Protein change: p.Ile605fs; shifts the reading frame from isoleucine 605.
Molecular consequence: frameshift variant.
Genome position (GRCh38, 1-based): chr7:105,101,514, G deleted; the last of 2 consecutive G bases (chr7:105,101,513-105,101,514); deleting either gives the same sequence. VCF-style (leftmost placement, unchanged base first): chr7-105101512-AG-A. GRCh37 (hg19) VCF-style: chr7-104741959-AG-A.
Other names: c.1812del, p.Ile605fs (NM_018682.4); short protein forms I605fs.
Identifiers: ClinVar variation 805903 (VCV000805903.2), dbSNP rs1584796727, ClinGen allele CA913184801.